The following is an entry in ClinVar:

NM_001202.6(BMP4):c.333C>T (p.Ala111=)

Gene: BMP4 (bone morphogenetic protein 4; minus strand). Cytogenetic location: 14q22.2.
Variant type: single nucleotide variant.
Coding change: c.333C>T on transcript NM_001202.6 (MANE Select); coding-DNA position 333, C replaced by T.
Protein change: p.Ala111=; no amino-acid change (alanine 111 retained).
Molecular consequence: synonymous variant.
Genome position (GRCh38, 1-based): chr14:53,951,890, G>A on the plus strand (C>T on the coding strand, the complement: BMP4 is on the minus strand). VCF-style: chr14-53951890-G-A. GRCh37 (hg19) VCF-style: chr14-54418608-G-A.
Other names: c.474C>T, p.Ala158= (NM_001347912.1); c.144C>T, p.Ala48= (NM_001347913.2, NM_001347915.2, NM_001347917.1); c.333C>T, p.Ala111= (NM_001347914.2, NM_001347916.1, NM_130850.5 and 1 more transcripts).
Identifiers: ClinVar variation 4872410 (VCV004872410.2).
Genomic context (GRCh38, chr14:53,951,890, plus strand): 5'-GCAGACTGGGGGAAGAGACTGACCTTCGTGGTGGAAGCTCCTCACGGTGTTGGCCCGGCT[G>A]GCCGGGCGCTCAGGATACTCAAGACCAGTGCTGTGGATCTGCTCTTCCTCCTCCTCCCCA-3'
Protein context (NP_001193.2, residues 101-121): STGLEYPERP[Ala111=]SRANTVRSFH

ClinVar aggregate classification (germline): Likely benign (1 of 4 stars; one submission).

gnomAD v4.1: 1 of 1,600,716 alleles (0.000062%); highest among the groups gnomAD compares: East Asian, 0.0022%; no homozygotes.

Submission:

CeGaT Center for Human Genetics Tuebingen
Classification: Likely benign. Last evaluated: 2026-06-01. Review status: criteria provided, single submitter. Criteria: CeGaT Center For Human Genetics Tuebingen Variant Classification Criteria Version 2. Collection method: clinical testing. Allele origin: germline. Affected: yes. Observed: 1 variant allele.
Comment: BMP4: BP4, BP7